The following is an entry in ClinVar:

ClinVar aggregate classification (germline): Uncertain significance (1 of 4 stars; one submission).

Conditions:
DOCK2 deficiency. Also called: Immunodeficiency 40. Identifiers: Orphanet 447737, MedGen C4225328, MONDO:0014637, OMIM 616433.

Submission:

Labcorp Genetics (formerly Invitae), Labcorp
Classification: Uncertain significance for DOCK2 deficiency. Last evaluated: 2024-02-14. Review status: criteria provided, single submitter. Criteria: Invitae Variant Classification Sherloc (09022015). Collection method: clinical testing. Allele origin: germline.
Comment: This sequence change replaces proline, which is neutral and non-polar, with threonine, which is neutral and polar, at codon 1413 of the DOCK2 protein (p.Pro1413Thr). This variant is not present in population databases (gnomAD no frequency). This variant has not been reported in the literature in individuals affected with DOCK2-related conditions. An algorithm developed to predict the effect of missense changes on protein structure and function (PolyPhen-2) suggests that this variant is likely to be disruptive. In summary, the available evidence is currently insufficient to determine the role of this variant in disease. Therefore, it has been classified as a Variant of Uncertain Significance.

NM_004946.3(DOCK2):c.4237C>A (p.Pro1413Thr)

Gene: DOCK2 (dedicator of cytokinesis 2; plus strand). Cytogenetic location: 5q35.1.
Variant type: single nucleotide variant.
Coding change: c.4237C>A on transcript NM_004946.3 (MANE Select); coding-DNA position 4237, C replaced by A.
Protein change: p.Pro1413Thr; replaces proline 1413 with threonine.
Molecular consequence: missense variant. On other transcripts: non-coding transcript variant (1).
Genome position (GRCh38, 1-based): chr5:170,055,328, C>A. VCF-style: chr5-170055328-C-A. GRCh37 (hg19) VCF-style: chr5-169482332-C-A.
Other names: short protein forms P1413T.
Identifiers: ClinVar variation 3639557 (VCV003639557.2).